The following is an entry in ClinVar:

ClinVar aggregate classification (germline): Uncertain significance (1 of 4 stars; one submission).

Conditions:
Ullrich congenital muscular dystrophy 2 (UCMD2). Identifiers: Orphanet 75840, MedGen C4225314, MONDO:0014654, OMIM 616470.
Bethlem myopathy 2 (BTHLM2). Identifiers: Orphanet 536516, Orphanet 610, MedGen C4225313, MONDO:0034022, OMIM 616471.

gnomAD v4.1: 11 of 1,613,620 alleles (0.00068%); highest among the groups gnomAD compares: Non-Finnish European, 0.00085%; no homozygotes.

Submission:

Labcorp Genetics (formerly Invitae), Labcorp
Classification: Uncertain significance for Bethlem myopathy 2; Ullrich congenital muscular dystrophy 2. Last evaluated: 2025-08-31. Review status: criteria provided, single submitter. Criteria: Invitae Variant Classification Sherloc (09022015). Collection method: clinical testing. Allele origin: germline.
Comment: This sequence change falls in intron 59 of the COL12A1 gene. It does not directly change the encoded amino acid sequence of the COL12A1 protein. It affects a nucleotide within the consensus splice site. This variant is not present in population databases (gnomAD no frequency). This variant has not been reported in the literature in individuals affected with COL12A1-related conditions. ClinVar contains an entry for this variant (Variation ID: 663571). Variants that disrupt the consensus splice site are a relatively common cause of aberrant splicing (PMID: 17576681, 9536098). Algorithms developed to predict the effect of sequence changes on RNA splicing suggest that this variant is not likely to affect RNA splicing. In summary, the available evidence is currently insufficient to determine the role of this variant in disease. Therefore, it has been classified as a Variant of Uncertain Significance.

Literature cited by the submitters: PubMed 17576681; PubMed 9536098.

NM_004370.6(COL12A1):c.8577+4A>G

Gene: COL12A1 (collagen type XII alpha 1 chain; minus strand). Cytogenetic location: 6q13.
Variant type: single nucleotide variant.
Coding change: c.8577+4A>G on transcript NM_004370.6 (MANE Select); 4 bases into the intron after coding-DNA position 8577, A replaced by G.
Molecular consequence: intron variant.
Genome position (GRCh38, 1-based): chr6:75,097,249, T>C on the plus strand (A>G on the coding strand, the complement: COL12A1 is on the minus strand). VCF-style: chr6-75097249-T-C. GRCh37 (hg19) VCF-style: chr6-75806965-T-C.
Other names: c.5085+4A>G (NM_080645.3).
Identifiers: ClinVar variation 663571 (VCV000663571.9), dbSNP rs1562105188, ClinGen allele CA915944338.